The following is an entry in ClinVar:

ClinVar aggregate classification (germline): Likely benign. Review status: criteria provided, multiple submitters, no conflicts (2 of 4 stars). 2 submissions from 2 submitters: Likely benign (2). Last evaluated 2025-12-01.

Allele frequency attached by ClinVar (database versions not stated): gnomAD exomes below 0.00001; TOPMed below 0.00001.
gnomAD v4.1: 4 of 985,246 alleles (0.00041%); highest among the groups gnomAD compares: Middle Eastern, 0.052%; no homozygotes.

Submissions (2):

Labcorp Genetics (formerly Invitae), Labcorp
Classification: Likely benign. Last evaluated: 2025-12-01. Review status: criteria provided, single submitter. Criteria: Invitae Variant Classification Sherloc (09022015). Collection method: clinical testing. Allele origin: germline.

CeGaT Center for Human Genetics Tuebingen
Classification: Likely benign. Last evaluated: 2024-05-01. Review status: criteria provided, single submitter. Criteria: CeGaT Center For Human Genetics Tuebingen Variant Classification Criteria Version 2. Collection method: clinical testing. Allele origin: germline. Affected: yes. Observed: 1 variant allele.
Comment: KMT2B: PM2:Supporting, BP4, BP7

NM_014727.3(KMT2B):c.12G>A (p.Ala4=)

Gene: KMT2B (lysine methyltransferase 2B; plus strand). Cytogenetic location: 19q13.12.
Variant type: single nucleotide variant.
Coding change: c.12G>A on transcript NM_014727.3 (MANE Select); coding-DNA position 12, G replaced by A.
Protein change: p.Ala4=; no amino-acid change (alanine 4 retained).
Molecular consequence: synonymous variant.
Genome position (GRCh38, 1-based): chr19:35,718,030, G>A. VCF-style: chr19-35718030-G-A. GRCh37 (hg19) VCF-style: chr19-36208932-G-A.
Identifiers: ClinVar variation 3239162 (VCV003239162.21), dbSNP rs1969020074.